The following is an entry in ClinVar:

ClinVar aggregate classification (germline): Uncertain significance. Review status: criteria provided, multiple submitters, no conflicts (2 of 4 stars). 4 submissions from 4 submitters: Uncertain significance (4). Last evaluated 2024-07-30.

Conditions:
Emery-Dreifuss muscular dystrophy 4, autosomal dominant (EDMD4). Also called: EMERY-DREIFUSS MUSCULAR DYSTROPHY 4 WITH VARIABLE FEATURES. Identifiers: Orphanet 261, MedGen C2751807, MONDO:0013071, OMIM 612998.
Autosomal recessive ataxia, Beauce type. Also called: SYNE1-Related Autosomal Recessive Cerebellar Ataxia; SYNE1 Deficiency; Spinocerebellar ataxia, autosomal recessive 8; ATAXIA, RECESSIVE, OF BEAUCE. Identifiers: Orphanet 88644, MedGen C1853116, MONDO:0012549, OMIM 610743.

Allele frequency attached by ClinVar (database versions not stated): gnomAD 0.00005; ESP Exome Variant Server 0.00008; 1000 Genomes Project 30x 0.00016; 1000 Genomes Project 0.00020.
gnomAD v4.1: 80 of 1,614,148 alleles (0.005%); highest among the groups gnomAD compares: East Asian, 0.04%; no homozygotes.

Submissions (4):

Labcorp Genetics (formerly Invitae), Labcorp
Classification: Uncertain significance for Emery-Dreifuss muscular dystrophy 4, autosomal dominant; Autosomal recessive ataxia, Beauce type. Last evaluated: 2024-07-30. Review status: criteria provided, single submitter. Criteria: Invitae Variant Classification Sherloc (09022015). Collection method: clinical testing. Allele origin: germline.
Comment: This sequence change replaces arginine, which is basic and polar, with histidine, which is basic and polar, at codon 4152 of the SYNE1 protein (p.Arg4152His). This variant is present in population databases (rs140492158, gnomAD 0.03%). This variant has not been reported in the literature in individuals affected with SYNE1-related conditions. ClinVar contains an entry for this variant (Variation ID: 1807180). An algorithm developed to predict the effect of missense changes on protein structure and function outputs the following: PolyPhen-2: "Benign". The histidine amino acid residue is found in multiple mammalian species, which suggests that this missense change does not adversely affect protein function. In summary, the available evidence is currently insufficient to determine the role of this variant in disease. Therefore, it has been classified as a Variant of Uncertain Significance.

Mayo Clinic Laboratories, Mayo Clinic
Classification: Uncertain significance. Last evaluated: 2024-05-15. Review status: criteria provided, single submitter. Criteria: ACMG Guidelines, 2015. Collection method: clinical testing. Allele origin: germline. Observed: 1 variant allele.
Comment: BP4, PM2

Revvity Omics, Revvity
Classification: Uncertain significance. Last evaluated: 2023-07-29. Review status: criteria provided, single submitter. Criteria: ACMG Guidelines, 2015. Collection method: clinical testing. Allele origin: germline.

Athena Diagnostics
Classification: Uncertain significance. Last evaluated: 2021-10-29. Review status: criteria provided, single submitter. Criteria: Athena Diagnostics Criteria. Collection method: clinical testing. Allele origin: unknown.

NM_182961.4(SYNE1):c.12668G>A (p.Arg4223His)

Gene: SYNE1 (spectrin repeat containing nuclear envelope protein 1; minus strand). Cytogenetic location: 6q25.2.
Variant type: single nucleotide variant.
Coding change: c.12668G>A on transcript NM_182961.4 (MANE Select); coding-DNA position 12668, G replaced by A.
Protein change: p.Arg4223His; replaces arginine 4223 with histidine.
Molecular consequence: missense variant.
Genome position (GRCh38, 1-based): chr6:152,334,134, C>T on the plus strand (G>A on the coding strand, the complement: SYNE1 is on the minus strand). VCF-style: chr6-152334134-C-T. GRCh37 (hg19) VCF-style: chr6-152655269-C-T.
Other names: p.Arg4152His; c.12455G>A, p.Arg4152His (NM_033071.5); short protein forms R4152H, R4223H.
Identifiers: ClinVar variation 1807180 (VCV001807180.9), dbSNP rs140492158, ClinGen allele CA4056337.
Genomic context (GRCh38, chr6:152,334,134, plus strand): 5'-TGGTAATCTCTTGTTCTCTGAAGATCCTCTTCCCTTTGCAAGCACAGGTTGTTAGACTGA[C>T]GGCACAAATCGAGCCACTGATCATTTAAATGATTTATTTCCTTGTGTTCAGGCGATTCCT-3'
Protein context (NP_892006.3, residues 4213-4233): HLNDQWLDLC[Arg4223His]QSNNLCLQRE